The following is an entry in ClinVar:

ClinVar aggregate classification (germline): Uncertain significance. Review status: criteria provided, multiple submitters, no conflicts (2 of 4 stars). 3 submissions from 3 submitters: Uncertain significance (3). Last evaluated 2022-03-11.

Conditions:
Joubert syndrome 17 (JBTS17). Identifiers: Orphanet 475, MedGen C3553264, MONDO:0013824, OMIM 614615.
Orofaciodigital syndrome type 6 (OFD6). Also called: Oral-facial-digital syndrome type 6; Central polydactyly cleft lip/palate or lingual lump and psychomotor retardation; Y-shaped central metacarpal and cerebellar defect; Joubert syndrome with orofacialdigital anomalies; OROFACIODIGITAL SYNDROME VI; OFDS VI. Identifiers: Orphanet 2754, MedGen C2745997, MONDO:0010176, OMIM 277170.

Allele frequency attached by ClinVar (database versions not stated): gnomAD exomes 0.00004; ExAC 0.00006.
gnomAD v4.1: 31 of 1,613,054 alleles (0.0019%); highest among the groups gnomAD compares: Middle Eastern, 0.016%; no homozygotes.

Submissions (3):

Labcorp Genetics (formerly Invitae), Labcorp
Classification: Uncertain significance. Last evaluated: 2022-03-11. Review status: criteria provided, single submitter. Criteria: Invitae Variant Classification Sherloc (09022015). Collection method: clinical testing. Allele origin: germline.
Comment: This sequence change replaces arginine, which is basic and polar, with cysteine, which is neutral and slightly polar, at codon 1545 of the CPLANE1 protein (p.Arg1545Cys). This variant is present in population databases (rs775743007, gnomAD 0.008%). This variant has not been reported in the literature in individuals affected with CPLANE1-related conditions. ClinVar contains an entry for this variant (Variation ID: 1312027). Advanced modeling of protein sequence and biophysical properties (such as structural, functional, and spatial information, amino acid conservation, physicochemical variation, residue mobility, and thermodynamic stability) performed at Invitae indicates that this missense variant is not expected to disrupt CPLANE1 protein function. In summary, the available evidence is currently insufficient to determine the role of this variant in disease. Therefore, it has been classified as a Variant of Uncertain Significance.

Fulgent Genetics
Classification: Uncertain significance for Orofaciodigital syndrome type 6; Joubert syndrome 17. Last evaluated: 2021-12-15. Review status: criteria provided, single submitter. Criteria: ACMG Guidelines, 2015. Collection method: clinical testing. Allele origin: unknown.

GeneDx
Classification: Uncertain significance. Last evaluated: 2020-01-21. Review status: criteria provided, single submitter. Criteria: GeneDx Variant Classification Process June 2021. Collection method: clinical testing. Allele origin: germline. Affected: yes.
Comment: Not observed at a significant frequency in large population cohorts (Lek et al., 2016); In silico analysis, which includes protein predictors and evolutionary conservation, supports a deleterious effect; Has not been previously published as pathogenic or benign to our knowledge; A different missense change at this residue (R1545H) has been reported in the Human Gene Mutation Database (Stenson et al., 2014)

NM_001384732.1(CPLANE1):c.4633C>T (p.Arg1545Cys)

Gene: CPLANE1 (ciliogenesis and planar polarity effector complex subunit 1; minus strand). Cytogenetic location: 5p13.2.
Variant type: single nucleotide variant.
Coding change: c.4633C>T on transcript NM_001384732.1 (MANE Select); coding-DNA position 4633, C replaced by T.
Protein change: p.Arg1545Cys; replaces arginine 1545 with cysteine.
Molecular consequence: missense variant.
Genome position (GRCh38, 1-based): chr5:37,183,548, G>A on the plus strand (C>T on the coding strand, the complement: CPLANE1 is on the minus strand). VCF-style: chr5-37183548-G-A. GRCh37 (hg19) VCF-style: chr5-37183650-G-A.
Other names: c.4633C>T, p.Arg1545Cys (NM_023073.4); short protein forms R1545C.
Identifiers: ClinVar variation 1312027 (VCV001312027.5), dbSNP rs775743007, ClinGen allele CA3238664.